The following is an entry in ClinVar:

NM_015425.6(POLR1A):c.700A>G (p.Thr234Ala)

Gene: POLR1A (RNA polymerase I subunit A; minus strand). Cytogenetic location: 2p11.2.
Variant type: single nucleotide variant.
Coding change: c.700A>G on transcript NM_015425.6 (MANE Select); coding-DNA position 700, A replaced by G.
Protein change: p.Thr234Ala; replaces threonine 234 with alanine.
Molecular consequence: missense variant.
Genome position (GRCh38, 1-based): chr2:86,088,596, T>C on the plus strand (A>G on the coding strand, the complement: POLR1A is on the minus strand). VCF-style: chr2-86088596-T-C. GRCh37 (hg19) VCF-style: chr2-86315719-T-C.
Other names: short protein forms T234A.
Identifiers: ClinVar variation 2785747 (VCV002785747.3), dbSNP rs774307394, ClinGen allele CA347555580.

ClinVar aggregate classification (germline): Uncertain significance (1 of 4 stars; one submission).

Submission:

Labcorp Genetics (formerly Invitae), Labcorp
Classification: Uncertain significance. Last evaluated: 2023-03-20. Review status: criteria provided, single submitter. Criteria: Invitae Variant Classification Sherloc (09022015). Collection method: clinical testing. Allele origin: germline.
Comment: This sequence change replaces threonine, which is neutral and polar, with alanine, which is neutral and non-polar, at codon 234 of the POLR1A protein (p.Thr234Ala). This variant is not present in population databases (gnomAD no frequency). This variant has not been reported in the literature in individuals affected with POLR1A-related conditions. Advanced modeling of protein sequence and biophysical properties (such as structural, functional, and spatial information, amino acid conservation, physicochemical variation, residue mobility, and thermodynamic stability) performed at Invitae indicates that this missense variant is not expected to disrupt POLR1A protein function. In summary, the available evidence is currently insufficient to determine the role of this variant in disease. Therefore, it has been classified as a Variant of Uncertain Significance.